The following is an entry in ClinVar:

NM_001283009.2(RTEL1):c.3149C>G (p.Pro1050Arg)

Genes: RTEL1-TNFRSF6B (RTEL1-TNFRSF6B readthrough (NMD candidate); plus strand), RTEL1 (regulator of telomere elongation helicase 1; plus strand). Cytogenetic location: 20q13.33.
Variant type: single nucleotide variant.
Coding change: c.3149C>G on transcript NM_001283009.2 (MANE Select); coding-DNA position 3149, C replaced by G.
Protein change: p.Pro1050Arg; replaces proline 1050 with arginine.
Molecular consequence: missense variant. On other transcripts: non-coding transcript variant (1).
Genome position (GRCh38, 1-based): chr20:63,694,780, C>G. VCF-style: chr20-63694780-C-G. GRCh37 (hg19) VCF-style: chr20-62326133-C-G.
Other names: c.2480C>G, p.Pro827Arg (NM_001283010.1); c.3149C>G, p.Pro1050Arg (NM_016434.4); c.3221C>G, p.Pro1074Arg (NM_032957.5); short protein forms P1050R, P1074R, P827R.
Identifiers: ClinVar variation 3750691 (VCV003750691.2).

ClinVar aggregate classification (germline): Uncertain significance (1 of 4 stars; one submission).

Conditions:
Pulmonary fibrosis and/or bone marrow failure, Telomere-related, 3. Also called: PULMONARY FIBROSIS AND/OR BONE MARROW FAILURE SYNDROME, TELOMERE-RELATED, 3. Identifiers: Orphanet 2032, MedGen C4225346, MONDO:0014613, OMIM 616373.
Dyskeratosis congenita, autosomal recessive 5 (DKCB5). Identifiers: MedGen C3554656, MONDO:0014076, OMIM 615190.

gnomAD v4.1: 1 of 1,611,724 alleles (0.000062%); highest among the groups gnomAD compares: Non-Finnish European, 0.000085%; no homozygotes.

Submission:

Labcorp Genetics (formerly Invitae), Labcorp
Classification: Uncertain significance for Dyskeratosis congenita, autosomal recessive 5; Pulmonary fibrosis and/or bone marrow failure, Telomere-related, 3. Last evaluated: 2024-04-09. Review status: criteria provided, single submitter. Criteria: Invitae Variant Classification Sherloc (09022015). Collection method: clinical testing. Allele origin: germline.
Comment: This sequence change replaces proline, which is neutral and non-polar, with arginine, which is basic and polar, at codon 1050 of the RTEL1 protein (p.Pro1050Arg). This variant is not present in population databases (gnomAD no frequency). This variant has not been reported in the literature in individuals affected with RTEL1-related conditions. An algorithm developed to predict the effect of missense changes on protein structure and function (PolyPhen-2) suggests that this variant is likely to be tolerated. In summary, the available evidence is currently insufficient to determine the role of this variant in disease. Therefore, it has been classified as a Variant of Uncertain Significance.